The following is an entry in ClinVar:

NM_006648.4(WNK2):c.5833C>T (p.Arg1945Cys)

Gene: WNK2 (WNK lysine deficient protein kinase 2; plus strand). Cytogenetic location: 9q22.31.
Variant type: single nucleotide variant.
Coding change: c.5833C>T on transcript NM_006648.4 (MANE Select); coding-DNA position 5833, C replaced by T.
Protein change: p.Arg1945Cys; replaces arginine 1945 with cysteine.
Molecular consequence: missense variant.
Genome position (GRCh38, 1-based): chr9:93,297,977, C>T. VCF-style: chr9-93297977-C-T. GRCh37 (hg19) VCF-style: chr9-96060259-C-T.
Other names: c.5944C>T, p.Arg1982Cys (NM_001282394.3); short protein forms R1945C, R1982C.
Identifiers: ClinVar variation 4201514 (VCV004201514.1).

ClinVar aggregate classification (germline): Uncertain significance (1 of 4 stars; one submission).

gnomAD v4.1: 2 of 1,567,894 alleles (0.00013%); highest among the groups gnomAD compares: South Asian, 0.0012%; no homozygotes.

Submission:

Ambry Genetics
Classification: Uncertain significance. Last evaluated: 2025-06-17. Review status: criteria provided, single submitter. Criteria: Ambry Variant Classification Scheme 2023. Collection method: clinical testing. Allele origin: germline.
Comment: The p.R1945C variant (also known as c.5833C>T), located in coding exon 23 of the WNK2 gene, results from a C to T substitution at nucleotide position 5833. The arginine at codon 1945 is replaced by cysteine, an amino acid with highly dissimilar properties. This amino acid position is conserved. In addition, this alteration is predicted to be deleterious by in silico analysis. Based on the available evidence, the clinical significance of this variant remains unclear.